The following is an entry in ClinVar:

NM_002471.4(MYH6):c.940G>C (p.Val314Leu)

Gene: MYH6 (myosin heavy chain 6; minus strand). Cytogenetic location: 14q11.2.
Variant type: single nucleotide variant.
Coding change: c.940G>C on transcript NM_002471.4 (MANE Select); coding-DNA position 940, G replaced by C.
Protein change: p.Val314Leu; replaces valine 314 with leucine.
Molecular consequence: missense variant.
Genome position (GRCh38, 1-based): chr14:23,402,759, C>G on the plus strand (G>C on the coding strand, the complement: MYH6 is on the minus strand). VCF-style: chr14-23402759-C-G. GRCh37 (hg19) VCF-style: chr14-23871968-C-G.
Other names: short protein forms V314L.
Identifiers: ClinVar variation 2742444 (VCV002742444.3), dbSNP rs1260228019, ClinGen allele CA389027084.

ClinVar aggregate classification (germline): Uncertain significance (1 of 4 stars; one submission).

Conditions:
Hypertrophic cardiomyopathy 14. Identifiers: MedGen C2750467, MONDO:0013197, OMIM 613251.

Submission:

Labcorp Genetics (formerly Invitae), Labcorp
Classification: Uncertain significance for Hypertrophic cardiomyopathy 14. Last evaluated: 2023-01-14. Review status: criteria provided, single submitter. Criteria: Invitae Variant Classification Sherloc (09022015). Collection method: clinical testing. Allele origin: germline.
Comment: In summary, the available evidence is currently insufficient to determine the role of this variant in disease. Therefore, it has been classified as a Variant of Uncertain Significance. Advanced modeling of protein sequence and biophysical properties (such as structural, functional, and spatial information, amino acid conservation, physicochemical variation, residue mobility, and thermodynamic stability) performed at Invitae indicates that this missense variant is not expected to disrupt MYH6 protein function. This variant has not been reported in the literature in individuals affected with MYH6-related conditions. This variant is not present in population databases (gnomAD no frequency). This sequence change replaces valine, which is neutral and non-polar, with leucine, which is neutral and non-polar, at codon 314 of the MYH6 protein (p.Val314Leu).